The following is an entry in ClinVar:

ClinVar aggregate classification (germline): Uncertain significance (1 of 4 stars; one submission).

Submission:

GeneDx
Classification: Uncertain significance. Last evaluated: 2024-12-11. Review status: criteria provided, single submitter. Criteria: GeneDx Variant Classification Process June 2021. Collection method: clinical testing. Allele origin: germline. Affected: yes.
Comment: Not observed at significant frequency in large population cohorts (gnomAD); In silico analysis indicates that this missense variant does not alter protein structure/function; In silico analysis is inconclusive as to whether the variant alters gene splicing. In the absence of RNA/functional studies, the actual effect of this sequence change is unknown.; Has not been previously published as pathogenic or benign to our knowledge

NM_015215.4(CAMTA1):c.4383C>G (p.Asn1461Lys)

Gene: CAMTA1 (calmodulin binding transcription activator 1; plus strand). Cytogenetic location: 1p36.23.
Variant type: single nucleotide variant.
Coding change: c.4383C>G on transcript NM_015215.4 (MANE Select); coding-DNA position 4383, C replaced by G.
Protein change: p.Asn1461Lys; replaces asparagine 1461 with lysine.
Molecular consequence: missense variant.
Genome position (GRCh38, 1-based): chr1:7,745,857, C>G. VCF-style: chr1-7745857-C-G. GRCh37 (hg19) VCF-style: chr1-7805917-C-G.
Other names: c.4293C>G, p.Asn1431Lys (NM_001349608.2); c.4044C>G, p.Asn1348Lys (NM_001349609.2, NM_001349610.2, NM_001410737.1); c.3954C>G, p.Asn1318Lys (NM_001349612.2); c.1512C>G, p.Asn504Lys (NM_001349613.1); c.1455C>G, p.Asn485Lys (NM_001349614.1, NM_001349615.2, NM_001349616.2 and 2 more transcripts); c.1116C>G, p.Asn372Lys (NM_001349619.2, NM_001349620.1, NM_001349621.1 and 5 more transcripts); c.3972C>G, p.Asn1324Lys (NM_001410738.1); short protein forms N1318K, N1324K, N1348K, N1431K, N1461K, N372K, N485K, N504K.
Identifiers: ClinVar variation 3903370 (VCV003903370.1).